The following is an entry in ClinVar:

ClinVar aggregate classification (germline): Uncertain significance. Review status: criteria provided, multiple submitters, no conflicts (2 of 4 stars). 2 submissions from 2 submitters: Uncertain significance (2). Last evaluated 2026-04-08.

Conditions:
RPGRIP1L-related disorder. Also called: RPGRIP1L-related disorders; RPGRIP1L-related condition. Identifiers: MedGen CN239416.
Meckel-Gruber syndrome. Also called: DYSENCEPHALIA SPLANCHNOCYSTICA; GRUBER SYNDROME; Dysencephalia splachnocystica. Identifiers: Orphanet 564, MedGen C0265215, MONDO:0018921.
Joubert syndrome. Also called: JOUBERT-BOLTSHAUSER SYNDROME; Familial aplasia of the vermis. Identifiers: Orphanet 475, MedGen C5979921, MONDO:0018772.

Allele frequency attached by ClinVar (database versions not stated): gnomAD 0.00001; gnomAD exomes 0.00001; 1000 Genomes Project 30x 0.00016.
gnomAD v4.1: 5 of 650,684 alleles (0.00077%); highest among the groups gnomAD compares: Middle Eastern, 0.039%; no homozygotes.

Submissions (2):

PreventionGenetics, part of Exact Sciences
Classification: Uncertain significance for RPGRIP1L-related condition. Last evaluated: 2026-04-08. Review status: criteria provided, single submitter. Criteria: ACMG Guidelines, 2015. Collection method: clinical testing. Allele origin: germline.
Comment: The RPGRIP1L c.3356G>A variant is predicted to result in the amino acid substitution p.Arg1119His. To our knowledge, this variant has not been reported in the literature. This variant is reported in 0.014% of alleles in individuals of Ashkenazi Jewish descent in gnomAD. At this time, the clinical significance of this variant is uncertain due to the absence of conclusive functional and genetic evidence.

Labcorp Genetics (formerly Invitae), Labcorp
Classification: Uncertain significance for Joubert syndrome; Meckel-Gruber syndrome. Last evaluated: 2022-09-01. Review status: criteria provided, single submitter. Criteria: Invitae Variant Classification Sherloc (09022015). Collection method: clinical testing. Allele origin: germline.
Comment: This sequence change replaces arginine, which is basic and polar, with histidine, which is basic and polar, at codon 1119 of the RPGRIP1L protein (p.Arg1119His). The frequency data for this variant in the population databases is considered unreliable, as metrics indicate poor data quality at this position in the gnomAD database. This variant has not been reported in the literature in individuals affected with RPGRIP1L-related conditions. ClinVar contains an entry for this variant (Variation ID: 1436871). Algorithms developed to predict the effect of missense changes on protein structure and function (SIFT, PolyPhen-2, Align-GVGD) all suggest that this variant is likely to be tolerated. In summary, the available evidence is currently insufficient to determine the role of this variant in disease. Therefore, it has been classified as a Variant of Uncertain Significance.

NM_015272.5(RPGRIP1L):c.3356G>A (p.Arg1119His)

Gene: RPGRIP1L (RPGRIP1 like; minus strand). Cytogenetic location: 16q12.2.
Variant type: single nucleotide variant.
Coding change: c.3356G>A on transcript NM_015272.5 (MANE Select); coding-DNA position 3356, G replaced by A.
Protein change: p.Arg1119His; replaces arginine 1119 with histidine.
Molecular consequence: missense variant. On other transcripts: intron variant (2).
Genome position (GRCh38, 1-based): chr16:53,622,295, C>T on the plus strand (G>A on the coding strand, the complement: RPGRIP1L is on the minus strand). VCF-style: chr16-53622295-C-T. GRCh37 (hg19) VCF-style: chr16-53656207-C-T.
Other names: c.3254G>A, p.Arg1085His (NM_001330538.2); c.3193-3087G>A (NM_001127897.4); c.3295-3087G>A (NM_001308334.3); c.3356G>A (NM_015272.4); short protein forms R1119H, R1085H.
Identifiers: ClinVar variation 1436871 (VCV001436871.4), dbSNP rs1207253947, ClinGen allele CA395924094.